The following is an entry in ClinVar:

NM_000156.6(GAMT):c.536del (p.Lys179fs)

Gene: GAMT (guanidinoacetate N-methyltransferase; minus strand). Cytogenetic location: 19p13.3.
Variant type: Deletion.
Coding change: c.536del on transcript NM_000156.6 (MANE Select); coding-DNA position 536, one base deleted (A; older notation c.536delA).
Protein change: p.Lys179fs; shifts the reading frame from lysine 179.
Molecular consequence: frameshift variant.
Genome position (GRCh38, 1-based): chr19:1,398,950, T deleted on the plus strand (A on the coding strand, the reverse complement: GAMT is on the minus strand); the first of 2 consecutive T bases (chr19:1,398,950-1,398,951); deleting either gives the same sequence. VCF-style (leftmost placement, unchanged base first): chr19-1398949-CT-C. GRCh37 (hg19) VCF-style: chr19-1398948-CT-C.
Other names: c.536del, p.Lys179fs (NM_138924.3); short protein forms K179fs.
Identifiers: ClinVar variation 1458883 (VCV001458883.9), dbSNP rs2144636198, ClinGen allele CA2573155786.
Genomic context (GRCh38, chr19:1,398,949, plus strand): 5'-CCCATGGGGAACTTCAGGTGGGCGCACCTCAAACATGATGGTGATGTCTGAGTACTTGGA[CT>C]TCATCAGCTCCCCCCAGGAGGTGAGGTTGCAGTAGGTGAGGACGCCCCCCGGCTTCAGCA-3'

ClinVar aggregate classification (germline): Pathogenic (1 of 4 stars; one submission).

Conditions:
Cerebral creatine deficiency syndrome. Also called: Creatine deficiency syndromes. Identifiers: Orphanet 79172, MedGen C5244016, MONDO:0000456.

Submission:

Labcorp Genetics (formerly Invitae), Labcorp
Classification: Pathogenic for Cerebral creatine deficiency syndrome. Last evaluated: 2023-10-04. Review status: criteria provided, single submitter. Criteria: Invitae Variant Classification Sherloc (09022015). Collection method: clinical testing. Allele origin: germline.
Comment: This sequence change creates a premature translational stop signal (p.Lys179Serfs*33) in the GAMT gene. While this is not anticipated to result in nonsense mediated decay, it is expected to disrupt the last 58 amino acid(s) of the GAMT protein. This variant is not present in population databases (gnomAD no frequency). This variant has not been reported in the literature in individuals affected with GAMT-related conditions. ClinVar contains an entry for this variant (Variation ID: 1458883). This variant disrupts a region of the GAMT protein in which other variant(s) (p.Gln193*) have been determined to be pathogenic (PMID: 23234264, 31130284; Invitae). This suggests that this is a clinically significant region of the protein, and that variants that disrupt it are likely to be disease-causing. For these reasons, this variant has been classified as Pathogenic.

Literature cited by the submitters: PubMed 23234264; PubMed 31130284.